The following is an entry in ClinVar:

NM_004385.5(VCAN):c.8089C>T (p.Arg2697Cys)

Genes: VCAN (versican; plus strand), VCAN-AS1 (VCAN antisense RNA 1; minus strand). Cytogenetic location: 5q14.3.
Variant type: single nucleotide variant.
Coding change: c.8089C>T on transcript NM_004385.5 (MANE Select); coding-DNA position 8089, C replaced by T.
Protein change: p.Arg2697Cys; replaces arginine 2697 with cysteine.
Molecular consequence: missense variant. On other transcripts: intron variant (2).
Genome position (GRCh38, 1-based): chr5:83,541,092, C>T. VCF-style: chr5-83541092-C-T. GRCh37 (hg19) VCF-style: chr5-82836911-C-T.
Other names: c.5128C>T, p.Arg1710Cys (NM_001164097.2); c.4004-4445C>T (NM_001164098.2); c.1043-4445C>T (NM_001126336.3); short protein forms R2697C, R1710C.
Identifiers: ClinVar variation 904246 (VCV000904246.12), dbSNP rs146336600, ClinGen allele CA3333746.

ClinVar aggregate classification (germline): Conflicting classifications of pathogenicity. Review status: criteria provided, conflicting classifications (1 of 4 stars). 4 submissions from 3 submitters: Uncertain significance (1); Benign (2); Likely benign (1). Last evaluated 2025-11-03.

Conditions:
Wagner disease. Also called: WAGNER VITREORETINAL DEGENERATION; Wagner Vitreoretinal Degeneration (Wagner Synrdome); Wagner syndrome; HYALOIDEORETINAL DEGENERATION OF WAGNER; WAGNER VITREORETINOPATHY; WAGNER SYNDROME 1. Identifiers: Orphanet 898, MedGen C1840452, MONDO:0007740, OMIM 143200.
Vitreoretinopathy. Also called: Vitreoretinal degeneration. Identifiers: MedGen C0344290, MONDO:0020248, HP:0007773.

Allele frequency attached by ClinVar (database versions not stated): TOPMed 0.00015; 1000 Genomes Project 0.00020; ESP Exome Variant Server 0.00023; 1000 Genomes Project 30x 0.00031; gnomAD 0.00011.
gnomAD v4.1: 131 of 1,614,046 alleles (0.0081%); highest among the groups gnomAD compares: Middle Eastern, 0.033%; no homozygotes.

Submissions (4):

Labcorp Genetics (formerly Invitae), Labcorp
Classification: Uncertain significance. Last evaluated: 2025-11-03. Review status: criteria provided, single submitter. Criteria: Invitae Variant Classification Sherloc (09022015). Collection method: clinical testing. Allele origin: germline.
Comment: This sequence change replaces arginine, which is basic and polar, with cysteine, which is neutral and slightly polar, at codon 2697 of the VCAN protein (p.Arg2697Cys). This variant is present in population databases (rs146336600, gnomAD 0.02%). This variant has not been reported in the literature in individuals affected with VCAN-related conditions. ClinVar contains an entry for this variant (Variation ID: 904246). An algorithm developed to predict the effect of missense changes on protein structure and function (PolyPhen-2) suggests that this variant is likely to be tolerated. In summary, the available evidence is currently insufficient to determine the role of this variant in disease. Therefore, it has been classified as a Variant of Uncertain Significance.

Blueprint Genetics
Classification: Likely benign. Last evaluated: 2024-09-05. Review status: criteria provided, single submitter. Criteria: ACMG Guidelines, 2015. Collection method: clinical testing. Allele origin: germline.

Illumina Laboratory Services, Illumina
Classification: Benign for Vitreoretinopathy. Last evaluated: 2018-01-12. Review status: criteria provided, single submitter. Criteria: ICSL Variant Classification Criteria 13 December 2019. Collection method: clinical testing. Allele origin: germline.
Comment: This variant was observed in the ICSL laboratory as part of a predisposition screen in an ostensibly healthy population. It had not been previously curated by ICSL or reported in the Human Gene Mutation Database (HGMD: prior to June 1st, 2018), and was therefore a candidate for classification through an automated scoring system. Utilizing variant allele frequency, disease prevalence and penetrance estimates, and inheritance mode, an automated score was calculated to assess if this variant is too frequent to cause the disease. Based on the score and internal cut-off values, a variant classified as benign is not then subjected to further curation. The score for this variant resulted in a classification of benign for this disease.

Illumina Laboratory Services, Illumina
Classification: Benign for Wagner disease. Last evaluated: 2018-01-12. Review status: criteria provided, single submitter. Criteria: ICSL Variant Classification Criteria 13 December 2019. Collection method: clinical testing. Allele origin: germline.
Comment: the same text as in the submission from Illumina Laboratory Services, Illumina above.